The following is an entry in ClinVar:

ClinVar aggregate classification (germline): Uncertain significance. Review status: criteria provided, multiple submitters, no conflicts (2 of 4 stars). 2 submissions from 2 submitters: Uncertain significance (2). Last evaluated 2026-06-19.

Conditions:
Arrhythmogenic right ventricular dysplasia 11. Also called: ARRHYTHMOGENIC RIGHT VENTRICULAR DYSPLASIA, FAMILIAL, 11; Arrhythmogenic Right Ventricular Dysplasia/Cardiomyopathy11; Arrhythmogenic right ventricular dysplasia 11 with mild palmoplantar keratoderma and woolly hair. Identifiers: MedGen C1864850, MONDO:0012506, OMIM 610476.

Submissions (2):

Women's Health and Genetics/Laboratory Corporation of America, LabCorp
Classification: Uncertain significance. Last evaluated: 2026-06-19. Review status: criteria provided, single submitter. Criteria: LabCorp Variant Classification Summary - May 2015. Collection method: clinical testing. Allele origin: germline.

Labcorp Genetics (formerly Invitae), Labcorp
Classification: Uncertain significance for Arrhythmogenic right ventricular dysplasia 11. Last evaluated: 2024-10-02. Review status: criteria provided, single submitter. Criteria: Invitae Variant Classification Sherloc (09022015). Collection method: clinical testing. Allele origin: germline.
Comment: This sequence change replaces isoleucine, which is neutral and non-polar, with asparagine, which is neutral and polar, at codon 342 of the DSC2 protein (p.Ile342Asn). This variant is not present in population databases (gnomAD no frequency). This variant has not been reported in the literature in individuals affected with DSC2-related conditions. Invitae Evidence Modeling of protein sequence and biophysical properties (such as structural, functional, and spatial information, amino acid conservation, physicochemical variation, residue mobility, and thermodynamic stability) indicates that this missense variant is not expected to disrupt DSC2 protein function with a negative predictive value of 80%. In summary, the available evidence is currently insufficient to determine the role of this variant in disease. Therefore, it has been classified as a Variant of Uncertain Significance.

NM_024422.6(DSC2):c.1025T>A (p.Ile342Asn)

Gene: DSC2 (desmocollin 2; minus strand). Cytogenetic location: 18q12.1.
Variant type: single nucleotide variant.
Coding change: c.1025T>A on transcript NM_024422.6 (MANE Select); coding-DNA position 1025, T replaced by A.
Protein change: p.Ile342Asn; replaces isoleucine 342 with asparagine.
Molecular consequence: missense variant.
Genome position (GRCh38, 1-based): chr18:31,082,978, A>T on the plus strand (T>A on the coding strand, the complement: DSC2 is on the minus strand). VCF-style: chr18-31082978-A-T. GRCh37 (hg19) VCF-style: chr18-28662944-A-T.
Other names: c.596T>A, p.Ile199Asn (NM_001406506.1, NM_001406507.1); c.1025T>A, p.Ile342Asn (NM_004949.5); short protein forms I342N, I199N.
Identifiers: ClinVar variation 2864149 (VCV002864149.4), dbSNP rs2510948914, ClinGen allele CA402110585.